The following is an entry in ClinVar:

ClinVar aggregate classification (germline): Uncertain significance (1 of 4 stars; one submission).

Conditions:
Neurodevelopmental disorder with hypotonia and variable intellectual and behavioral abnormalities. Identifiers: MedGen C5231423, MONDO:0032829, OMIM 618603.

Submission:

Juno Genomics, Hangzhou Juno Genomics, Inc
Classification: Uncertain significance for Neurodevelopmental disorder with hypotonia and variable intellectual and behavioral abnormalities. Review status: criteria provided, single submitter. Criteria: ACMG Guidelines, 2015. Collection method: clinical testing. Allele origin: germline.
Comment: Absent from controls (or at extremely low frequency if recessive) in Genome Aggregation Database.;Multiple lines of computational evidence support a deleterious effect on the gene or gene product.;Missense variant in a gene that has a low rate of benign missense variation.

NM_000937.5(POLR2A):c.752C>T (p.Thr251Ile)

Gene: POLR2A (RNA polymerase II subunit A; plus strand). Cytogenetic location: 17p13.1.
Variant type: single nucleotide variant.
Coding change: c.752C>T on transcript NM_000937.5 (MANE Select); coding-DNA position 752, C replaced by T.
Protein change: p.Thr251Ile; replaces threonine 251 with isoleucine.
Molecular consequence: missense variant.
Genome position (GRCh38, 1-based): chr17:7,496,978, C>T. VCF-style: chr17-7496978-C-T. GRCh37 (hg19) VCF-style: chr17-7400297-C-T.
Other names: short protein forms T251I.
Identifiers: ClinVar variation 5019459 (VCV005019459.2).